The following is an entry in ClinVar:

NM_001368397.1(FRMPD4):c.1927C>A (p.Gln643Lys)

Gene: FRMPD4 (FERM and PDZ domain containing 4; plus strand). Cytogenetic location: Xp22.2.
Variant type: single nucleotide variant.
Coding change: c.1927C>A on transcript NM_001368397.1 (MANE Select); coding-DNA position 1927, C replaced by A.
Protein change: p.Gln643Lys; replaces glutamine 643 with lysine.
Molecular consequence: missense variant.
Genome position (GRCh38, 1-based): chrX:12,716,386, C>A. VCF-style: chrX-12716386-C-A. GRCh37 (hg19) VCF-style: chrX-12734505-C-A.
Other names: c.2038C>A, p.Gln680Lys (NM_001368395.3, NM_001368398.3); c.1933C>A, p.Gln645Lys (NM_001368396.3); c.1918C>A, p.Gln640Lys (NM_001368399.3); c.1807C>A, p.Gln603Lys (NM_001368400.3); c.1903C>A, p.Gln635Lys (NM_001368401.1, NM_001368402.3); c.1927C>A, p.Gln643Lys (NM_014728.3); short protein forms Q603K, Q635K, Q640K, Q643K, Q645K, Q680K.
Identifiers: ClinVar variation 4527990 (VCV004527990.1).

ClinVar aggregate classification (germline): Uncertain significance (1 of 4 stars; one submission).

Submission:

GeneDx
Classification: Uncertain significance. Last evaluated: 2025-05-08. Review status: criteria provided, single submitter. Criteria: GeneDx Variant Classification Process June 2021. Collection method: clinical testing. Allele origin: germline. Affected: yes.
Comment: In silico analysis suggests that this missense variant does not alter protein structure/function; Has not been previously published as pathogenic or benign to our knowledge